The following is an entry in ClinVar:

NM_001903.5(CTNNA1):c.2635_2636del (p.Gln879fs)

Gene: CTNNA1 (catenin alpha 1; plus strand). Cytogenetic location: 5q31.2.
Variant type: Microsatellite.
Coding change: c.2635_2636del on transcript NM_001903.5 (MANE Select); coding-DNA positions 2635 to 2636, 2 bases deleted (CA; older notation c.2635_2636delCA).
Protein change: p.Gln879fs; shifts the reading frame from glutamine 879.
Molecular consequence: frameshift variant. On other transcripts: 3 prime UTR variant (5).
Genome position (GRCh38, 1-based): chr5:138,934,003-138,934,004, CA deleted; deleting any 2 consecutive bases within chr5:138,934,000-138,934,004 gives the same sequence; the c. name uses the placement nearest the transcript's 3' end. VCF-style (leftmost placement, unchanged base first): chr5-138933999-GAC-G. GRCh37 (hg19) VCF-style: chr5-138269688-GAC-G.
Other names: c.2635_2636delCA (NM_001903.2); c.*178CA[1] (NM_001290307.3, NM_001324002.1, NM_001324003.1 and 2 more transcripts); c.2326_2327del, p.Gln776fs (NM_001290309.3); c.2266_2267del, p.Gln756fs (NM_001290310.3); c.1525_1526del, p.Gln509fs (NM_001290312.1, NM_001323987.1, NM_001323988.1 and 12 more transcripts); c.2635_2636del, p.Gln879fs (NM_001323982.2, NM_001323983.1, NM_001323984.2); c.2608_2609del, p.Gln870fs (NM_001323985.2); c.2542_2543del, p.Gln848fs (NM_001323986.2); and 4 more; short protein forms Q396fs, Q478fs, Q870fs, Q776fs, Q428fs, Q464fs, Q509fs, Q756fs.
Identifiers: ClinVar variation 649831 (VCV000649831.7), dbSNP rs1580946401, ClinGen allele CA915942584.

ClinVar aggregate classification (germline): Uncertain significance. Review status: criteria provided, multiple submitters, no conflicts (2 of 4 stars). 2 submissions from 2 submitters: Uncertain significance (2). Last evaluated 2025-09-03.

Conditions:
Hereditary cancer-predisposing syndrome. Also called: Neoplastic Syndromes, Hereditary; Tumor predisposition; Hereditary Cancer Syndrome; Hereditary neoplastic syndrome. Identifiers: Orphanet 140162, MedGen C0027672, MeSH D009386, MONDO:0015356.

Submissions (2):

Labcorp Genetics (formerly Invitae), Labcorp
Classification: Uncertain significance. Last evaluated: 2025-09-03. Review status: criteria provided, single submitter. Criteria: Invitae Variant Classification Sherloc (09022015). Collection method: clinical testing. Allele origin: germline.
Comment: This sequence change creates a premature translational stop signal (p.Gln879Aspfs*4) in the CTNNA1 gene. While this is not anticipated to result in nonsense mediated decay, it is expected to disrupt the last 28 amino acid(s) of the CTNNA1 protein. This variant is not present in population databases (gnomAD no frequency). This premature translational stop signal has been observed in individual(s) with breast cancer (PMID: 32051609). Experimental studies and prediction algorithms are not available or were not evaluated, and the functional significance of this variant is currently unknown. In summary, the available evidence is currently insufficient to determine the role of this variant in disease. Therefore, it has been classified as a Variant of Uncertain Significance.

Ambry Genetics
Classification: Uncertain significance for Hereditary cancer-predisposing syndrome. Last evaluated: 2025-03-13. Review status: criteria provided, single submitter. Criteria: Ambry Variant Classification Scheme 2023. Collection method: clinical testing. Allele origin: germline.
Comment: The c.2635_2636delCA variant, located in coding exon 17 of the CTNNA1 gene, results from a deletion of two nucleotides at nucleotide positions 2635 to 2636, causing a translational frameshift with a predicted alternate stop codon (p.Q879Dfs*4). This alteration is expected to result in loss of function by premature protein truncation or nonsense-mediated mRNA decay. The evidence for this gene-disease relationship is limited; therefore, the clinical significance of this alteration is unclear.

Literature cited by the submitters: PubMed 32051609 (cited by Labcorp Genetics (formerly Invitae), Labcorp).